The following is an entry in ClinVar:

NM_000719.7(CACNA1C):c.5444+723C>T

Genes: CACNA1C-AS1 (CACNA1C antisense RNA 1; minus strand), CACNA1C (calcium voltage-gated channel subunit alpha1 C; plus strand). Cytogenetic location: 12p13.33.
Variant type: single nucleotide variant.
Coding change: c.5444+723C>T on transcript NM_000719.7 (MANE Select); 723 bases into the intron after coding-DNA position 5444, C replaced by T.
Molecular consequence: intron variant. On other transcripts: synonymous variant (1).
Genome position (GRCh38, 1-based): chr12:2,680,519, C>T. VCF-style: chr12-2680519-C-T. GRCh37 (hg19) VCF-style: chr12-2789685-C-T.
Other names: c.5568C>T (NM_001167625.1); c.5568C>T, p.Cys1856= (NM_001167625.2); c.5444+723C>T (NM_001167624.3, NM_001167623.2, NM_001129840.2 and 4 more transcripts); c.5588+723C>T (NM_199460.4, NM_001129827.2); c.5504+723C>T (NM_001129832.2); c.5528+723C>T (NM_001129831.2); c.5501+723C>T (NM_001129833.2, NM_001129834.2, NM_001129835.2); c.5567+723C>T (NM_001129829.2); and 5 more.
Identifiers: ClinVar variation 389890 (VCV000389890.5), dbSNP rs750984838, ClinGen allele CA6389814.

ClinVar aggregate classification (germline): Likely benign. Review status: criteria provided, single submitter (1 of 4 stars). 2 submissions from 2 submitters: Likely benign (1). 1 of the submissions does not count toward it. Last evaluated 2019-09-04.

Conditions:
CACNA1C-related disorder. Also called: CACNA1C-related disorders; CACNA1C-related condition. Identifiers: MedGen CN381092, MONDO:0700321.

Allele frequency attached by ClinVar (database versions not stated): TOPMed 0.00012; ExAC 0.00023; gnomAD exomes 0.00004 and 0.00020; gnomAD 0.00003.
gnomAD v4.1: 59 of 1,573,888 alleles (0.0037%); highest among the groups gnomAD compares: Admixed American, 0.11%; no homozygotes.

Submissions (2):

GeneDx
Classification: Likely benign. Last evaluated: 2019-09-04. Review status: criteria provided, single submitter. Criteria: GeneDx Variant Classification Process June 2021. Collection method: clinical testing. Allele origin: germline. Affected: yes.

PreventionGenetics, part of Exact Sciences
Classification: Likely benign for CACNA1C-related condition. Last evaluated: 2023-12-11. Review status: no assertion criteria provided. Collection method: clinical testing. Allele origin: germline. Not counted in ClinVar's aggregate classification.
Comment: This variant is classified as likely benign based on ACMG/AMP sequence variant interpretation guidelines (Richards et al. 2015 PMID: 25741868, with internal and published modifications).